The following is an entry in ClinVar:

NM_001367823.1(ARHGEF18):c.3455C>T (p.Ala1152Val)

Gene: ARHGEF18 (Rho/Rac guanine nucleotide exchange factor 18; plus strand). Cytogenetic location: 19p13.2.
Variant type: single nucleotide variant.
Coding change: c.3455C>T on transcript NM_001367823.1 (MANE Select); coding-DNA position 3455, C replaced by T.
Protein change: p.Ala1152Val; replaces alanine 1152 with valine.
Molecular consequence: missense variant.
Genome position (GRCh38, 1-based): chr19:7,467,659, C>T. VCF-style: chr19-7467659-C-T. GRCh37 (hg19) VCF-style: chr19-7532545-C-T.
Other names: c.2729C>T, p.Ala910Val (NM_001130955.2); c.2417C>T, p.Ala806Val (NM_001367824.1, NM_015318.4); c.2891C>T (NM_001130955.1); short protein forms A1152V, A806V, A910V.
Identifiers: ClinVar variation 1061184 (VCV001061184.8), dbSNP rs773003627, ClinGen allele CA9137140.

ClinVar aggregate classification (germline): Uncertain significance. Review status: criteria provided, multiple submitters, no conflicts (2 of 4 stars). 3 submissions from 3 submitters: Uncertain significance (3). Last evaluated 2025-08-06.

Conditions:
Inborn genetic diseases. Identifiers: MedGen C0950123, MeSH D030342.

Allele frequency attached by ClinVar (database versions not stated): gnomAD 0.00011; gnomAD exomes 0.00011; ExAC 0.00014; TOPMed 0.00016.
gnomAD v4.1: 234 of 1,512,522 alleles (0.015%); highest among the groups gnomAD compares: Middle Eastern, 0.046%; no homozygotes.

Submissions (3):

Ambry Genetics
Classification: Uncertain significance for Inborn genetic diseases. Last evaluated: 2025-08-06. Review status: criteria provided, single submitter. Criteria: Ambry Variant Classification Scheme 2023. Collection method: clinical testing. Allele origin: germline.

Labcorp Genetics (formerly Invitae), Labcorp
Classification: Uncertain significance. Last evaluated: 2024-11-05. Review status: criteria provided, single submitter. Criteria: Invitae Variant Classification Sherloc (09022015). Collection method: clinical testing. Allele origin: germline.
Comment: This sequence change replaces alanine, which is neutral and non-polar, with valine, which is neutral and non-polar, at codon 964 of the ARHGEF18 protein (p.Ala964Val). This variant is present in population databases (rs773003627, gnomAD 0.01%). This variant has not been reported in the literature in individuals affected with ARHGEF18-related conditions. ClinVar contains an entry for this variant (Variation ID: 1061184). An algorithm developed to predict the effect of missense changes on protein structure and function outputs the following: PolyPhen-2: "Benign". The valine amino acid residue is found in multiple mammalian species, which suggests that this missense change does not adversely affect protein function. In summary, the available evidence is currently insufficient to determine the role of this variant in disease. Therefore, it has been classified as a Variant of Uncertain Significance.

Blueprint Genetics
Classification: Uncertain significance. Last evaluated: 2024-09-03. Review status: criteria provided, single submitter. Criteria: ACMG Guidelines, 2015. Collection method: clinical testing. Allele origin: germline.